The following is an entry in ClinVar:

ClinVar aggregate classification (germline): Uncertain significance (1 of 4 stars; one submission).

Conditions:
Primary familial hypertrophic cardiomyopathy (HCM). Identifiers: Orphanet 99739, MedGen C0949658, MeSH D024741, MONDO:0024573. Inheritance: Various modes of inheritance.

gnomAD v4.1: 1 of 1,614,202 alleles (0.000062%); highest among the groups gnomAD compares: Non-Finnish European, 0.000085%; no homozygotes.

Submission:

Labcorp Genetics (formerly Invitae), Labcorp
Classification: Uncertain significance for Primary familial hypertrophic cardiomyopathy. Last evaluated: 2025-08-26. Review status: criteria provided, single submitter. Criteria: Invitae Variant Classification Sherloc (09022015). Collection method: clinical testing. Allele origin: germline.
Comment: This sequence change replaces leucine, which is neutral and non-polar, with isoleucine, which is neutral and non-polar, at codon 193 of the ILK protein (p.Leu193Ile). This variant is not present in population databases (gnomAD no frequency). This variant has not been reported in the literature in individuals affected with ILK-related conditions. An algorithm developed to predict the effect of missense changes on protein structure and function (PolyPhen-2) suggests that this variant is likely to be disruptive. In summary, the available evidence is currently insufficient to determine the role of this variant in disease. Therefore, it has been classified as a Variant of Uncertain Significance.

NM_004517.4(ILK):c.577C>A (p.Leu193Ile)

Genes: ILK (integrin linked kinase; plus strand), TAF10 (TATA-box binding protein associated factor 10; minus strand). Cytogenetic location: 11p15.4.
Variant type: single nucleotide variant.
Coding change: c.577C>A on transcript NM_004517.4 (MANE Select); coding-DNA position 577, C replaced by A.
Protein change: p.Leu193Ile; replaces leucine 193 with isoleucine.
Molecular consequence: missense variant. On other transcripts: 3 prime UTR variant (1), intron variant (1).
Genome position (GRCh38, 1-based): chr11:6,609,115, C>A. VCF-style: chr11-6609115-C-A. GRCh37 (hg19) VCF-style: chr11-6630346-C-A.
Other names: c.577C>A, p.Leu193Ile (NM_001014794.3, NM_001014795.3); c.175C>A, p.Leu59Ile (NM_001278442.2); c.*1807G>T (NM_006284.4); c.435+148C>A (NM_001278441.2); short protein forms L193I, L59I.
Identifiers: ClinVar variation 4764099 (VCV004764099.1).